The following is an entry in ClinVar:

NM_001374828.1(ARID1B):c.2329dup (p.Ser777fs)

Gene: ARID1B (AT-rich interaction domain 1B; plus strand). Cytogenetic location: 6q25.3.
Variant type: Duplication.
Coding change: c.2329dup on transcript NM_001374828.1 (MANE Select); coding-DNA position 2329, one base duplicated (A; older notation c.2329dupA).
Protein change: p.Ser777fs; shifts the reading frame from serine 777.
Molecular consequence: frameshift variant. On other transcripts: 5 prime UTR variant (2).
Genome position (GRCh38, 1-based): chr6:157,084,743, A duplicated. VCF-style (leftmost placement, unchanged base first): chr6-157084742-G-GA. GRCh37 (hg19) VCF-style: chr6-157405876-G-GA.
Other names: c.-171dup (NM_001363725.2, NM_001438488.1); c.2368dup, p.Ser790fs (NM_001371656.1, NM_001374820.1); c.2329dup, p.Ser777fs (NM_001438482.1, NM_001438485.1, NM_001438487.1 and 1 more transcripts); c.2371dup, p.Ser791fs (NM_001438483.1, NM_001438486.1); c.2329dupA (NM_001374828.1); short protein forms S777fs, S790fs, S791fs.
Identifiers: ClinVar variation 4847802 (VCV004847802.1).

ClinVar aggregate classification (germline): Pathogenic (1 of 4 stars; one submission).

Conditions:
Coffin-Siris syndrome 1 (CSS1). Also called: Mental retardation, autosomal dominant 12; ARID1B-Related Coffin-Siris Syndrome. Identifiers: Orphanet 1465, MedGen C3281201, MONDO:0007617, OMIM 135900. Disease mechanism: gain of function.

Submission:

Women's Health and Genetics/Laboratory Corporation of America, LabCorp
Classification: Pathogenic for Coffin-Siris syndrome 1. Last evaluated: 2026-02-15. Review status: criteria provided, single submitter. Criteria: LabCorp Variant Classification Summary - May 2015. Collection method: clinical testing. Allele origin: germline.
Comment: Variant summary: ARID1B c.2329dupA (p.Ser777LysfsX56) results in a premature termination codon, predicted to cause a truncation of the encoded protein or absence of the protein due to nonsense mediated decay, which are commonly known mechanisms for disease. The variant was absent in 251346 control chromosomes. To our knowledge, no occurrence of c.2329dupA in individuals affected with ARID1B-related conditions and no experimental evidence demonstrating its impact on protein function have been reported. No submitters have cited clinical-significance assessments for this variant to ClinVar. Based on the evidence outlined above, the variant was classified as pathogenic.